The following is an entry in ClinVar:

ClinVar aggregate classification (germline): Likely benign (1 of 4 stars; one submission).

Conditions:
Marfan syndrome (MFS). Also called: MARFAN SYNDROME, TYPE I; Marfan syndrome type 1; Marfan's syndrome; Marfan syndrome, classic; FBN1-Related Marfan Syndrome. Identifiers: Orphanet 284963, Orphanet 558, MedGen C0024796, MONDO:0007947, OMIM 154700.

Submission:

All of Us Research Program, National Institutes of Health
Classification: Likely benign for Marfan syndrome. Last evaluated: 2023-06-08. Review status: criteria provided, single submitter. Criteria: ACMG Guidelines, 2015. Collection method: clinical testing. Allele origin: germline. Inheritance: Autosomal dominant inheritance. Observed: 1 variant allele, 1 heterozygote.
Comment: This study involves interpretation of variants in research participants for the purpose of population health screening. Participant phenotype was not available at the time of variant classification. Additional details can be found in publication PMID: 35346344, PMCID: PMC8962531

NM_000138.5(FBN1):c.3912C>T (p.Ile1304=)

Gene: FBN1 (fibrillin 1; minus strand). Cytogenetic location: 15q21.1.
Variant type: single nucleotide variant.
Coding change: c.3912C>T on transcript NM_000138.5 (MANE Select); coding-DNA position 3912, C replaced by T.
Protein change: p.Ile1304=; no amino-acid change (isoleucine 1304 retained).
Molecular consequence: synonymous variant.
Genome position (GRCh38, 1-based): chr15:48,481,707, G>A on the plus strand (C>T on the coding strand, the complement: FBN1 is on the minus strand). VCF-style: chr15-48481707-G-A. GRCh37 (hg19) VCF-style: chr15-48773904-G-A.
Other names: c.3912C>T, p.Ile1304= (NM_001406716.1).
Identifiers: ClinVar variation 3071558 (VCV003071558.1), dbSNP rs2505533470, ClinGen allele CA490016185.
Genomic context (GRCh38, chr15:48,481,707, plus strand): 5'-AAACACACCTGTACAGCCAGTTTTTCCTTTTTTGCCGGAGTAGCCCATATCACAGTGGCA[G>A]ATAAATGAGCCTTTCGTGTTTTCACAGGTCCCACTTAGGCAGATATTTGGATTCAGGTCA-3'
Protein context (NP_000129.3, residues 1294-1314): GTCENTKGSF[Ile1304=]CHCDMGYSGK